The following is an entry in ClinVar:

NM_001005242.3(PKP2):c.733A>G (p.Arg245Gly)

Gene: PKP2 (plakophilin 2; minus strand). Cytogenetic location: 12p11.21.
Variant type: single nucleotide variant.
Coding change: c.733A>G on transcript NM_001005242.3 (MANE Select); coding-DNA position 733, A replaced by G.
Protein change: p.Arg245Gly; replaces arginine 245 with glycine.
Molecular consequence: missense variant.
Genome position (GRCh38, 1-based): chr12:32,878,147, T>C on the plus strand (A>G on the coding strand, the complement: PKP2 is on the minus strand). VCF-style: chr12-32878147-T-C. GRCh37 (hg19) VCF-style: chr12-33031081-T-C.
Other names: c.733A>G, p.Arg245Gly (NM_001407155.1, NM_001407156.1, NM_001407157.1 and 2 more transcripts); c.406A>G, p.Arg136Gly (NM_001407158.1, NM_001407159.1, NM_001407160.1 and 1 more transcripts); short protein forms R136G, R245G.
Identifiers: ClinVar variation 4757112 (VCV004757112.1).

ClinVar aggregate classification (germline): Uncertain significance (1 of 4 stars; one submission).

Conditions:
Cardiomyopathy (CMYO). Also called: Cardiomyopathies. Identifiers: Orphanet 167848, MedGen C0878544, MONDO:0004994, HP:0001638. Inheritance: Various modes of inheritance.

Submission:

Color Diagnostics, LLC DBA Color Health
Classification: Uncertain significance for Cardiomyopathy. Last evaluated: 2025-06-17. Review status: criteria provided, single submitter. Criteria: ACMG Guidelines, 2015. Collection method: clinical testing. Allele origin: germline.
Comment: This missense variant replaces arginine with glycine at codon 245 of the PKP2 protein. Computational prediction suggests that this variant may not impact protein structure and function. To our knowledge, functional studies have not been reported for this variant. This variant has not been reported in individuals affected with PKP2-related disorders in the literature. This variant has not been identified in the general population by the Genome Aggregation Database (gnomAD). The available evidence is insufficient to determine the role of this variant in disease conclusively. Therefore, this variant is classified as a Variant of Uncertain Significance.